The following is an entry in ClinVar:

ClinVar aggregate classification (germline): Benign/Likely benign. Review status: criteria provided, multiple submitters, no conflicts (2 of 4 stars). 2 submissions from 2 submitters: Benign (1); Likely benign (1). Last evaluated 2025-02-05.

Conditions:
POLD1-related polyposis and colorectal cancer syndrome (CRCS10). Also called: COLORECTAL CANCER, SUSCEPTIBILITY TO, ON CHROMOSOME 19q; Colorectal cancer 10; Colorectal cancer, susceptibility to, 10. Identifiers: Orphanet 220460, MedGen C2675481, MONDO:0012953, OMIM 612591.
Hereditary cancer-predisposing syndrome. Also called: Neoplastic Syndromes, Hereditary; Tumor predisposition; Hereditary Cancer Syndrome; Hereditary neoplastic syndrome. Identifiers: Orphanet 140162, MedGen C0027672, MeSH D009386, MONDO:0015356.

Submissions (2):

Myriad Genetics, Inc.
Classification: Benign for POLD1-related polyposis and colorectal cancer syndrome. Last evaluated: 2025-02-05. Review status: criteria provided, single submitter. Criteria: Myriad Autosomal Dominant, Autosomal Recessive and X-Linked Classification Criteria (2023). Collection method: clinical testing. Allele origin: unknown.
Comment: This variant is considered benign. This variant is a silent/synonymous amino acid change and it is not expected to impact splicing.

Ambry Genetics
Classification: Likely benign for Hereditary cancer-predisposing syndrome. Last evaluated: 2022-11-25. Review status: criteria provided, single submitter. Criteria: Ambry Variant Classification Scheme 2023. Collection method: clinical testing. Allele origin: germline.

NM_002691.4(POLD1):c.879T>C (p.Ser293=)

Gene: POLD1 (DNA polymerase delta 1, catalytic subunit; plus strand). Cytogenetic location: 19q13.33.
Variant type: single nucleotide variant.
Coding change: c.879T>C on transcript NM_002691.4 (MANE Select); coding-DNA position 879, T replaced by C.
Protein change: p.Ser293=; no amino-acid change (serine 293 retained).
Molecular consequence: synonymous variant. On other transcripts: non-coding transcript variant (1).
Genome position (GRCh38, 1-based): chr19:50,402,650, T>C. VCF-style: chr19-50402650-T-C. GRCh37 (hg19) VCF-style: chr19-50905907-T-C.
Other names: c.879T>C, p.Ser293= (NM_001256849.1, NM_001308632.1).
Identifiers: ClinVar variation 2448197 (VCV002448197.3), dbSNP rs2122256752, ClinGen allele CA508181886.
Genomic context (GRCh38, chr19:50,402,650, plus strand): 5'-GCTGACCCACCCATGCCCACAGGCTACGCAGTGCCAGCTGGAGGCGGACGTGCTGTGGTC[T>C]GACGTGGTCAGTCACCCACCGGAAGGGCCATGGCAGCGCATTGCGCCCTTGCGCGTGCTC-3'
Protein context (NP_002682.2, residues 283-303): QCQLEADVLW[Ser293=]DVVSHPPEGP